The following is an entry in ClinVar:

NM_145200.5(CABP4):c.758G>A (p.Arg253Gln)

Gene: CABP4 (calcium binding protein 4; plus strand). Cytogenetic location: 11q13.2.
Variant type: single nucleotide variant.
Coding change: c.758G>A on transcript NM_145200.5 (MANE Select); coding-DNA position 758, G replaced by A.
Protein change: p.Arg253Gln; replaces arginine 253 with glutamine.
Molecular consequence: missense variant. On other transcripts: non-coding transcript variant (1).
Genome position (GRCh38, 1-based): chr11:67,458,477, G>A. VCF-style: chr11-67458477-G-A. GRCh37 (hg19) VCF-style: chr11-67225948-G-A.
Other names: c.758G>A (NM_145200.3); c.443G>A, p.Arg148Gln (NM_001300895.3, NM_001300896.3, NM_001379183.1); short protein forms R148Q, R253Q.
Identifiers: ClinVar variation 1437722 (VCV001437722.8), dbSNP rs374363909, ClinGen allele CA6140341.

ClinVar aggregate classification (germline): Uncertain significance. Review status: criteria provided, multiple submitters, no conflicts (2 of 4 stars). 3 submissions from 3 submitters: Uncertain significance (3). Last evaluated 2025-05-18.

Conditions:
Inborn genetic diseases. Identifiers: MedGen C0950123, MeSH D030342.

Allele frequency attached by ClinVar (database versions not stated): TOPMed below 0.00001; gnomAD exomes 0.00002 and 0.00006; ExAC 0.00005; gnomAD 0.00005; ESP Exome Variant Server 0.00008; 1000 Genomes Project 30x 0.00016; 1000 Genomes Project 0.00020.
gnomAD v4.1: 42 of 1,613,992 alleles (0.0026%); highest among the groups gnomAD compares: Middle Eastern, 0.033%; no homozygotes.

Submissions (3):

Ambry Genetics
Classification: Uncertain significance for Inborn genetic diseases. Last evaluated: 2025-05-18. Review status: criteria provided, single submitter. Criteria: Ambry Variant Classification Scheme 2023. Collection method: clinical testing. Allele origin: germline.

Blueprint Genetics
Classification: Uncertain significance. Last evaluated: 2024-07-17. Review status: criteria provided, single submitter. Criteria: ACMG Guidelines, 2015. Collection method: clinical testing. Allele origin: germline.

Labcorp Genetics (formerly Invitae), Labcorp
Classification: Uncertain significance. Last evaluated: 2022-09-27. Review status: criteria provided, single submitter. Criteria: Invitae Variant Classification Sherloc (09022015). Collection method: clinical testing. Allele origin: germline.
Comment: This sequence change replaces arginine, which is basic and polar, with glutamine, which is neutral and polar, at codon 253 of the CABP4 protein (p.Arg253Gln). This variant is present in population databases (rs374363909, gnomAD 0.06%). This variant has not been reported in the literature in individuals affected with CABP4-related conditions. ClinVar contains an entry for this variant (Variation ID: 1437722). Advanced modeling of protein sequence and biophysical properties (such as structural, functional, and spatial information, amino acid conservation, physicochemical variation, residue mobility, and thermodynamic stability) performed at Invitae indicates that this missense variant is not expected to disrupt CABP4 protein function. In summary, the available evidence is currently insufficient to determine the role of this variant in disease. Therefore, it has been classified as a Variant of Uncertain Significance.